The following is an entry in ClinVar:

ClinVar aggregate classification (germline): Likely benign. Review status: criteria provided, single submitter (1 of 4 stars). 2 submissions from 2 submitters: Likely benign (1). 1 of the submissions does not count toward it. Last evaluated 2021-03-26.

Conditions:
PDE6D-related disorder. Also called: PDE6D-related condition.
Joubert syndrome 22 (JBTS22). Identifiers: Orphanet 2754, MedGen C3810278, MONDO:0014297, OMIM 615665.

Submissions (2):

Labcorp Genetics (formerly Invitae), Labcorp
Classification: Likely benign for Joubert syndrome 22. Last evaluated: 2021-03-26. Review status: criteria provided, single submitter. Criteria: Invitae Variant Classification Sherloc (09022015). Collection method: clinical testing. Allele origin: germline.

PreventionGenetics, part of Exact Sciences
Classification: Uncertain significance for PDE6D-related condition. Last evaluated: 2024-09-03. Review status: no assertion criteria provided. Collection method: clinical testing. Allele origin: germline. Not counted in ClinVar's aggregate classification.
Comment: The PDE6D c.126T>G variant is not predicted to result in an amino acid change (p.=). This variant is predicted to alter splicing based on available splicing prediction programs (SpliceAI, Jaganathan et al. 2019. PubMed ID: 30661751). However, the use of computer prediction programs is not equivalent to functional evidence. To our knowledge, this variant has not been reported in the literature or in a large population database, indicating this variant is rare. At this time, the clinical significance of this variant is uncertain due to the absence of conclusive functional and genetic evidence.

NM_002601.4(PDE6D):c.126T>G (p.Gly42=)

Gene: PDE6D (phosphodiesterase 6D; minus strand). Cytogenetic location: 2q37.1.
Variant type: single nucleotide variant.
Coding change: c.126T>G on transcript NM_002601.4 (MANE Select); coding-DNA position 126, T replaced by G.
Protein change: p.Gly42=; no amino-acid change (glycine 42 retained).
Molecular consequence: synonymous variant.
Genome position (GRCh38, 1-based): chr2:231,739,113, A>C on the plus strand (T>G on the coding strand, the complement: PDE6D is on the minus strand). VCF-style: chr2-231739113-A-C. GRCh37 (hg19) VCF-style: chr2-232603823-A-C.
Other names: c.126T>G (NM_002601.3); c.126T>G, p.Gly42= (NM_001291018.2).
Identifiers: ClinVar variation 1642825 (VCV001642825.9), dbSNP rs2106261935, ClinGen allele CA431769697.